The following is an entry in ClinVar:

ClinVar aggregate classification (germline): Uncertain significance (1 of 4 stars; one submission).

gnomAD v4.1: 18 of 1,613,946 alleles (0.0011%); highest among the groups gnomAD compares: African/African-American, 0.0067%; no homozygotes.

Submission:

Labcorp Genetics (formerly Invitae), Labcorp
Classification: Uncertain significance. Last evaluated: 2025-04-08. Review status: criteria provided, single submitter. Criteria: Invitae Variant Classification Sherloc (09022015). Collection method: clinical testing. Allele origin: germline.
Comment: This sequence change replaces arginine, which is basic and polar, with cysteine, which is neutral and slightly polar, at codon 352 of the KCNN4 protein (p.Arg352Cys). This variant is present in population databases (rs202202107, gnomAD 0.009%). This variant has not been reported in the literature in individuals affected with KCNN4-related conditions. ClinVar contains an entry for this variant (Variation ID: 3697238). Invitae Evidence Modeling of protein sequence and biophysical properties (such as structural, functional, and spatial information, amino acid conservation, physicochemical variation, residue mobility, and thermodynamic stability) indicates that this missense variant is expected to disrupt KCNN4 protein function with a positive predictive value of 80%. This variant disrupts the p.Arg352 amino acid residue in KCNN4. Other variant(s) that disrupt this residue have been determined to be pathogenic (PMID: 26148990, 26178367, 28496185). This suggests that this residue is clinically significant, and that variants that disrupt this residue are likely to be disease-causing. In summary, the available evidence is currently insufficient to determine the role of this variant in disease. Therefore, it has been classified as a Variant of Uncertain Significance.

Literature cited by the submitters: PubMed 26148990; PubMed 26178367; PubMed 28496185.

NM_002250.3(KCNN4):c.1054C>T (p.Arg352Cys)

Gene: KCNN4 (potassium calcium-activated channel subfamily N member 4; minus strand). Cytogenetic location: 19q13.31.
Variant type: single nucleotide variant.
Coding change: c.1054C>T on transcript NM_002250.3 (MANE Select); coding-DNA position 1054, C replaced by T.
Protein change: p.Arg352Cys; replaces arginine 352 with cysteine.
Molecular consequence: missense variant.
Genome position (GRCh38, 1-based): chr19:43,769,028, G>A on the plus strand (C>T on the coding strand, the complement: KCNN4 is on the minus strand). VCF-style: chr19-43769028-G-A. GRCh37 (hg19) VCF-style: chr19-44273180-G-A.
Other names: short protein forms R352C.
Identifiers: ClinVar variation 3697238 (VCV003697238.2).